The following is an entry in ClinVar:

NM_002834.5(PTPN11):c.466G>T (p.Asp156Tyr)

Gene: PTPN11 (protein tyrosine phosphatase non-receptor type 11; plus strand). Cytogenetic location: 12q24.13.
Variant type: single nucleotide variant.
Coding change: c.466G>T on transcript NM_002834.5 (MANE Select); coding-DNA position 466, G replaced by T.
Protein change: p.Asp156Tyr; replaces aspartic acid 156 with tyrosine.
Molecular consequence: missense variant.
Genome position (GRCh38, 1-based): chr12:112,453,328, G>T. VCF-style: chr12-112453328-G-T. GRCh37 (hg19) VCF-style: chr12-112891132-G-T.
Other names: c.466G>T, p.Asp156Tyr (NM_001330437.2, NM_080601.3); c.463G>T, p.Asp155Tyr (NM_001374625.1); short protein forms D155Y, D156Y.
Identifiers: ClinVar variation 2725104 (VCV002725104.3), dbSNP rs2135867231, ClinGen allele CA386781533.

ClinVar aggregate classification (germline): Uncertain significance (1 of 4 stars; one submission).

Conditions:
RASopathy. Also called: Noonan spectrum disorder; rasopathies. Identifiers: Orphanet 536391, MedGen C5555857, MONDO:0021060.

Submission:

Labcorp Genetics (formerly Invitae), Labcorp
Classification: Uncertain significance for RASopathy. Last evaluated: 2023-12-02. Review status: criteria provided, single submitter. Criteria: Invitae Variant Classification Sherloc (09022015). Collection method: clinical testing. Allele origin: germline.
Comment: This sequence change replaces aspartic acid, which is acidic and polar, with tyrosine, which is neutral and polar, at codon 156 of the PTPN11 protein (p.Asp156Tyr). This variant is not present in population databases (gnomAD no frequency). This variant has not been reported in the literature in individuals affected with PTPN11-related conditions. Advanced modeling of protein sequence and biophysical properties (such as structural, functional, and spatial information, amino acid conservation, physicochemical variation, residue mobility, and thermodynamic stability) performed at Invitae indicates that this missense variant is expected to disrupt PTPN11 protein function with a positive predictive value of 95%. In summary, the available evidence is currently insufficient to determine the role of this variant in disease. Therefore, it has been classified as a Variant of Uncertain Significance.